The following is an entry in ClinVar:

ClinVar aggregate classification (germline): Uncertain significance. Review status: criteria provided, multiple submitters, no conflicts (2 of 4 stars). 2 submissions from 2 submitters: Uncertain significance (2). Last evaluated 2026-07-07.

Conditions:
Hereditary cancer-predisposing syndrome. Also called: Neoplastic Syndromes, Hereditary; Hereditary Cancer Syndrome; Hereditary neoplastic syndrome; Tumor predisposition. Identifiers: Orphanet 140162, MedGen C0027672, MeSH D009386, MONDO:0015356.
Familial cancer of breast. Also called: hereditary breast carcinoma; BREAST CANCER, FAMILIAL; Hereditary breast cancer. Identifiers: Orphanet 227535, MedGen C0346153, MONDO:0016419, OMIM 114480. Disease mechanism: loss of function.

Allele frequency attached by ClinVar (database versions not stated): gnomAD exomes below 0.00001.
gnomAD v4.1: 1 of 1,610,710 alleles (0.000062%); highest among the groups gnomAD compares: Non-Finnish European, 0.000085%; no homozygotes.

Submissions (2):

Ambry Genetics
Classification: Uncertain significance for Hereditary cancer-predisposing syndrome. Last evaluated: 2026-07-07. Review status: criteria provided, single submitter. Criteria: Ambry Variant Classification Scheme 2023. Collection method: clinical testing. Allele origin: germline.
Comment: The p.D126G variant (also known as c.377A>G), located in coding exon 4 of the BARD1 gene, results from an A to G substitution at nucleotide position 377. The aspartic acid at codon 126 is replaced by glycine, an amino acid with similar properties. This amino acid position is conserved. In addition, this alteration is predicted to be tolerated by in silico analysis. Based on the available evidence, the clinical significance of this variant remains unclear.

Labcorp Genetics (formerly Invitae), Labcorp
Classification: Uncertain significance for Familial cancer of breast. Last evaluated: 2021-07-22. Review status: criteria provided, single submitter. Criteria: Invitae Variant Classification Sherloc (09022015). Collection method: clinical testing. Allele origin: germline.
Comment: In summary, the available evidence is currently insufficient to determine the role of this variant in disease. Therefore, it has been classified as a Variant of Uncertain Significance. Algorithms developed to predict the effect of sequence changes on RNA splicing suggest that this variant may create or strengthen a splice site, but this prediction has not been confirmed by published transcriptional studies. Algorithms developed to predict the effect of missense changes on protein structure and function (SIFT, PolyPhen-2, Align-GVGD) all suggest that this variant is likely to be tolerated, but these predictions have not been confirmed by published functional studies and their clinical significance is uncertain. This variant has not been reported in the literature in individuals with BARD1-related disease. This variant is not present in population databases (ExAC no frequency). This sequence change replaces aspartic acid with glycine at codon 126 of the BARD1 protein (p.Asp126Gly). The aspartic acid residue is moderately conserved and there is a moderate physicochemical difference between aspartic acid and glycine.

NM_000465.4(BARD1):c.377A>G (p.Asp126Gly)

Gene: BARD1 (BRCA1 associated RING domain 1; minus strand). Cytogenetic location: 2q35.
Variant type: single nucleotide variant.
Coding change: c.377A>G on transcript NM_000465.4 (MANE Select); coding-DNA position 377, A replaced by G.
Protein change: p.Asp126Gly; replaces aspartic acid 126 with glycine.
Molecular consequence: missense variant. On other transcripts: intron variant (3), non-coding transcript variant (2).
Genome position (GRCh38, 1-based): chr2:214,781,497, T>C on the plus strand (A>G on the coding strand, the complement: BARD1 is on the minus strand). VCF-style: chr2-214781497-T-C. GRCh37 (hg19) VCF-style: chr2-215646221-T-C.
Other names: c.377A>G (NM_000465.2); c.215+15564A>G (NM_001282545.2); c.364+10800A>G (NM_001282549.2); c.320A>G, p.Asp107Gly (NM_001282543.2); c.158+27915A>G (NM_001282548.2); short protein forms D126G, D107G.
Identifiers: ClinVar variation 660767 (VCV000660767.10), dbSNP rs1574821822, ClinGen allele CA350458327.